The following is an entry in ClinVar:

ClinVar aggregate classification (germline): Uncertain significance (1 of 4 stars; one submission).

gnomAD v4.1: 3 of 1,613,496 alleles (0.00019%); highest among the groups gnomAD compares: East Asian, 0.0022%; no homozygotes.

Submission:

Labcorp Genetics (formerly Invitae), Labcorp
Classification: Uncertain significance. Last evaluated: 2023-06-23. Review status: criteria provided, single submitter. Criteria: Invitae Variant Classification Sherloc (09022015). Collection method: clinical testing. Allele origin: germline.
Comment: In summary, the available evidence is currently insufficient to determine the role of this variant in disease. Therefore, it has been classified as a Variant of Uncertain Significance. Algorithms developed to predict the effect of missense changes on protein structure and function output the following: SIFT: "Not Available"; PolyPhen-2: "Not Available"; Align-GVGD: "Not Available". The phenylalanine amino acid residue is found in multiple mammalian species, which suggests that this missense change does not adversely affect protein function. ClinVar contains an entry for this variant (Variation ID: 1350871). This variant has not been reported in the literature in individuals affected with PCLO-related conditions. This variant is not present in population databases (gnomAD no frequency). This sequence change replaces leucine, which is neutral and non-polar, with phenylalanine, which is neutral and non-polar, at codon 2010 of the PCLO protein (p.Leu2010Phe).

NM_033026.6(PCLO):c.6028C>T (p.Leu2010Phe)

Gene: PCLO (piccolo presynaptic cytomatrix protein; minus strand). Cytogenetic location: 7q21.11.
Variant type: single nucleotide variant.
Coding change: c.6028C>T on transcript NM_033026.6 (MANE Select); coding-DNA position 6028, C replaced by T.
Protein change: p.Leu2010Phe; replaces leucine 2010 with phenylalanine.
Molecular consequence: missense variant.
Genome position (GRCh38, 1-based): chr7:82,954,925, G>A on the plus strand (C>T on the coding strand, the complement: PCLO is on the minus strand). VCF-style: chr7-82954925-G-A. GRCh37 (hg19) VCF-style: chr7-82584241-G-A.
Other names: c.6028C>T, p.Leu2010Phe (NM_014510.3); short protein forms L2010F.
Identifiers: ClinVar variation 1350871 (VCV001350871.8), dbSNP rs960623317, ClinGen allele CA367920947.